The following is an entry in ClinVar:

NM_001458.5(FLNC):c.5032G>T (p.Val1678Leu)

Gene: FLNC (filamin C; plus strand). Cytogenetic location: 7q32.1.
Variant type: single nucleotide variant.
Coding change: c.5032G>T on transcript NM_001458.5 (MANE Select); coding-DNA position 5032, G replaced by T.
Protein change: p.Val1678Leu; replaces valine 1678 with leucine.
Molecular consequence: missense variant.
Genome position (GRCh38, 1-based): chr7:128,849,411, G>T. VCF-style: chr7-128849411-G-T. GRCh37 (hg19) VCF-style: chr7-128489465-G-T.
Other names: c.5032G>T, p.Val1678Leu (NM_001127487.2); short protein forms V1678L.
Identifiers: ClinVar variation 3755743 (VCV003755743.2).

ClinVar aggregate classification (germline): Uncertain significance (1 of 4 stars; one submission).

Conditions:
Distal myopathy with posterior leg and anterior hand involvement. Also called: WILLIAMS DISTAL MYOPATHY. Identifiers: Orphanet 63273, MedGen C3279722, MONDO:0013550, OMIM 614065.
Hypertrophic cardiomyopathy 26. Also called: Cardiomyopathy, familial hypertrophic, 26. Identifiers: Orphanet 75249, MedGen C4310749, MONDO:0014883, OMIM 617047.
Myofibrillar myopathy 5. Also called: Filaminopathy (type); FILAMINOPATHY, AUTOSOMAL DOMINANT. Identifiers: Orphanet 171445, MedGen C1836050, MONDO:0012289, OMIM 609524.

Submission:

Labcorp Genetics (formerly Invitae), Labcorp
Classification: Uncertain significance for Distal myopathy with posterior leg and anterior hand involvement; Myofibrillar myopathy 5; Hypertrophic cardiomyopathy 26. Last evaluated: 2024-04-07. Review status: criteria provided, single submitter. Criteria: Invitae Variant Classification Sherloc (09022015). Collection method: clinical testing. Allele origin: germline.
Comment: This sequence change replaces valine, which is neutral and non-polar, with leucine, which is neutral and non-polar, at codon 1678 of the FLNC protein (p.Val1678Leu). This variant is not present in population databases (gnomAD no frequency). This variant has not been reported in the literature in individuals affected with FLNC-related conditions. Advanced modeling of protein sequence and biophysical properties (such as structural, functional, and spatial information, amino acid conservation, physicochemical variation, residue mobility, and thermodynamic stability) has been performed at Invitae for this missense variant, however the output from this modeling did not meet the statistical confidence thresholds required to predict the impact of this variant on FLNC protein function. In summary, the available evidence is currently insufficient to determine the role of this variant in disease. Therefore, it has been classified as a Variant of Uncertain Significance.